The following is an entry in ClinVar:

ClinVar aggregate classification (germline): Uncertain significance. Review status: criteria provided, multiple submitters, no conflicts (2 of 4 stars). 2 submissions from 2 submitters: Uncertain significance (2). Last evaluated 2025-12-01.

Conditions:
Norman-Roberts syndrome (LIS2). Also called: Lissencephaly 2 (Norman-Roberts type). Identifiers: Orphanet 89844, MedGen C0796089, MONDO:0009760, OMIM 257320.
Familial temporal lobe epilepsy 7. Identifiers: Orphanet 101046, MedGen C4225327, MONDO:0014639, OMIM 616436.

gnomAD v4.1: 16 of 1,614,066 alleles (0.00099%); highest among the groups gnomAD compares: Non-Finnish European, 0.0014%; no homozygotes.

Submissions (2):

Labcorp Genetics (formerly Invitae), Labcorp
Classification: Uncertain significance for Familial temporal lobe epilepsy 7; Norman-Roberts syndrome. Last evaluated: 2025-12-01. Review status: criteria provided, single submitter. Criteria: Invitae Variant Classification Sherloc (09022015). Collection method: clinical testing. Allele origin: germline.
Comment: This sequence change replaces glycine, which is neutral and non-polar, with glutamic acid, which is acidic and polar, at codon 2931 of the RELN protein (p.Gly2931Glu). This variant is present in population databases (no rsID available, gnomAD 0.0009%). This missense change has been observed in individual(s) with clinical features of RELN-related conditions (PMID: 33004838). ClinVar contains an entry for this variant (Variation ID: 911098). Invitae Evidence Modeling of protein sequence and biophysical properties (such as structural, functional, and spatial information, amino acid conservation, physicochemical variation, residue mobility, and thermodynamic stability) indicates that this missense variant is not expected to disrupt RELN protein function with a negative predictive value of 80%. In summary, the available evidence is currently insufficient to determine the role of this variant in disease. Therefore, it has been classified as a Variant of Uncertain Significance.

Illumina Laboratory Services, Illumina
Classification: Uncertain significance for Norman-Roberts syndrome. Last evaluated: 2018-01-12. Review status: criteria provided, single submitter. Criteria: ICSL Variant Classification Criteria 13 December 2019. Collection method: clinical testing. Allele origin: germline.

Literature cited by the submitters: PubMed 33004838 (cited by Labcorp Genetics (formerly Invitae), Labcorp).

NM_005045.4(RELN):c.8792G>A (p.Gly2931Glu)

Genes: SLC26A5-AS1 (SLC26A5 antisense RNA 1; plus strand), RELN (reelin; minus strand). Cytogenetic location: 7q22.1.
Variant type: single nucleotide variant.
Coding change: c.8792G>A on transcript NM_005045.4 (MANE Select); coding-DNA position 8792, G replaced by A.
Protein change: p.Gly2931Glu; replaces glycine 2931 with glutamic acid.
Molecular consequence: missense variant.
Genome position (GRCh38, 1-based): chr7:103,498,128, C>T on the plus strand (G>A on the coding strand, the complement: RELN is on the minus strand). VCF-style: chr7-103498128-C-T. GRCh37 (hg19) VCF-style: chr7-103138575-C-T.
Other names: c.8792G>A, p.Gly2931Glu (NM_173054.3); short protein forms G2931E.
Identifiers: ClinVar variation 911098 (VCV000911098.8), dbSNP rs1465519249, ClinGen allele CA368753136.
Genomic context (GRCh38, chr7:103,498,128, plus strand): 5'-TTCACTTACTTTGCACCTCGAAGATCCAAATCTTGTGTAACCGCTTGTCTCACAGTGGAT[C>T]CCCCAAAATAGAGTGCAGTGTCCTCGGCAAGAATTCCACACTCAGTGCAAGTACTTCCAC-3'
Protein context (NP_005036.2, residues 2921-2941): LAEDTALYFG[Gly2931Glu]STVRQAVTQD